The following is an entry in ClinVar:

ClinVar aggregate classification (germline): Likely benign (1 of 4 stars; one submission).

Allele frequency attached by ClinVar (database versions not stated): 1000 Genomes Project 30x 0.00047; 1000 Genomes Project 0.00060; gnomAD 0.00307; ESP Exome Variant Server 0.00338; ExAC 0.00370; TOPMed 0.00403; gnomAD exomes 0.00446.

Submission:

CeGaT Center for Human Genetics Tuebingen
Classification: Likely benign. Last evaluated: 2022-12-01. Review status: criteria provided, single submitter. Criteria: CeGaT Center For Human Genetics Tuebingen Variant Classification Criteria Version 2. Collection method: clinical testing. Allele origin: germline. Affected: yes. Observed: 1 variant allele.
Comment: SIRT4: BP4, BS2

NM_012240.3(SIRT4):c.613G>A (p.Val205Ile)

Gene: SIRT4 (sirtuin 4; plus strand). Cytogenetic location: 12q24.31.
Variant type: single nucleotide variant.
Coding change: c.613G>A on transcript NM_012240.3 (MANE Select); coding-DNA position 613, G replaced by A.
Protein change: p.Val205Ile; replaces valine 205 with isoleucine.
Molecular consequence: missense variant.
Genome position (GRCh38, 1-based): chr12:120,312,571, G>A. VCF-style: chr12-120312571-G-A. GRCh37 (hg19) VCF-style: chr12-120750374-G-A.
Other names: c.340G>A, p.Val114Ile (NM_001385734.1, NM_001385735.2); c.613G>A, p.Val205Ile (NM_001385733.2); short protein forms V114I, V205I.
Identifiers: ClinVar variation 2643396 (VCV002643396.24), dbSNP rs150394622, ClinGen allele CA6827242.